The following is an entry in ClinVar:

NM_000127.3(EXT1):c.895A>G (p.Lys299Glu)

Gene: EXT1 (exostosin glycosyltransferase 1; minus strand). Cytogenetic location: 8q24.11.
Variant type: single nucleotide variant.
Coding change: c.895A>G on transcript NM_000127.3 (MANE Select); coding-DNA position 895, A replaced by G.
Protein change: p.Lys299Glu; replaces lysine 299 with glutamic acid.
Molecular consequence: missense variant.
Genome position (GRCh38, 1-based): chr8:118,110,152, T>C on the plus strand (A>G on the coding strand, the complement: EXT1 is on the minus strand). VCF-style: chr8-118110152-T-C. GRCh37 (hg19) VCF-style: chr8-119122391-T-C.
Other names: short protein forms K299E.
Identifiers: ClinVar variation 4798177 (VCV004798177.1).

ClinVar aggregate classification (germline): Uncertain significance (1 of 4 stars; one submission).

Conditions:
Multiple congenital exostosis (EXT). Also called: MULTIPLE CARTILAGINOUS EXOSTOSES; Hereditary multiple osteochondromas; Hereditary multiple exostoses; Hereditary multiple exostosis; Multiple exostoses; Multiple osteochondromas. Identifiers: Orphanet 321, MedGen C0015306, MONDO:0005508, HP:0002762.

Submission:

Labcorp Genetics (formerly Invitae), Labcorp
Classification: Uncertain significance for Multiple congenital exostosis. Last evaluated: 2025-09-13. Review status: criteria provided, single submitter. Criteria: Invitae Variant Classification Sherloc (09022015). Collection method: clinical testing. Allele origin: germline.
Comment: This sequence change replaces lysine, which is basic and polar, with glutamic acid, which is acidic and polar, at codon 299 of the EXT1 protein (p.Lys299Glu). This variant is not present in population databases (gnomAD no frequency). This variant has not been reported in the literature in individuals affected with EXT1-related conditions. Invitae Evidence Modeling of protein sequence and biophysical properties (such as structural, functional, and spatial information, amino acid conservation, physicochemical variation, residue mobility, and thermodynamic stability) indicates that this missense variant is not expected to disrupt EXT1 protein function with a negative predictive value of 80%. In summary, the available evidence is currently insufficient to determine the role of this variant in disease. Therefore, it has been classified as a Variant of Uncertain Significance.